The following is an entry in ClinVar:

NM_017617.5(NOTCH1):c.1636G>A (p.Gly546Arg)

Gene: NOTCH1 (notch receptor 1; minus strand). Cytogenetic location: 9q34.3.
Variant type: single nucleotide variant.
Coding change: c.1636G>A on transcript NM_017617.5 (MANE Select); coding-DNA position 1636, G replaced by A.
Protein change: p.Gly546Arg; replaces glycine 546 with arginine.
Molecular consequence: missense variant.
Genome position (GRCh38, 1-based): chr9:136,516,014, C>T on the plus strand (G>A on the coding strand, the complement: NOTCH1 is on the minus strand). VCF-style: chr9-136516014-C-T. GRCh37 (hg19) VCF-style: chr9-139410466-C-T.
Other names: short protein forms G546R.
Identifiers: ClinVar variation 864436 (VCV000864436.9), dbSNP rs764185451, ClinGen allele CA5341700.

ClinVar aggregate classification (germline): Uncertain significance (1 of 4 stars; one submission).

Conditions:
Adams-Oliver syndrome 5 (AOS5). Identifiers: Orphanet 974, MedGen C4014970, MONDO:0014459, OMIM 616028.

Allele frequency attached by ClinVar (database versions not stated): ExAC 0.00001; gnomAD exomes 0.00001.
gnomAD v4.1: 11 of 1,612,002 alleles (0.00068%); highest among the groups gnomAD compares: Non-Finnish European, 0.00068%; no homozygotes.

Submission:

Labcorp Genetics (formerly Invitae), Labcorp
Classification: Uncertain significance for Adams-Oliver syndrome 5. Last evaluated: 2025-10-05. Review status: criteria provided, single submitter. Criteria: Invitae Variant Classification Sherloc (09022015). Collection method: clinical testing. Allele origin: germline.
Comment: This sequence change replaces glycine, which is neutral and non-polar, with arginine, which is basic and polar, at codon 546 of the NOTCH1 protein (p.Gly546Arg). This variant is present in population databases (rs764185451, gnomAD 0.003%). This variant has not been reported in the literature in individuals affected with NOTCH1-related conditions. ClinVar contains an entry for this variant (Variation ID: 864436). Invitae Evidence Modeling of protein sequence and biophysical properties (such as structural, functional, and spatial information, amino acid conservation, physicochemical variation, residue mobility, and thermodynamic stability) indicates that this missense variant is not expected to disrupt NOTCH1 protein function with a negative predictive value of 80%. In summary, the available evidence is currently insufficient to determine the role of this variant in disease. Therefore, it has been classified as a Variant of Uncertain Significance.